The following is an entry in ClinVar:

ClinVar aggregate classification (germline): Uncertain significance. Review status: criteria provided, multiple submitters, no conflicts (2 of 4 stars). 2 submissions from 2 submitters: Uncertain significance (2). Last evaluated 2025-09-11.

Conditions:
Inborn genetic diseases. Identifiers: MedGen C0950123, MeSH D030342.

gnomAD v4.1: 3 of 1,612,920 alleles (0.00019%); highest among the groups gnomAD compares: African/African-American, 0.0027%; no homozygotes.

Submissions (2):

Ambry Genetics
Classification: Uncertain significance for Inborn genetic diseases. Last evaluated: 2025-09-11. Review status: criteria provided, single submitter. Criteria: Ambry Variant Classification Scheme 2023. Collection method: clinical testing. Allele origin: germline.

GeneDx
Classification: Uncertain significance. Last evaluated: 2024-07-19. Review status: criteria provided, single submitter. Criteria: GeneDx Variant Classification Process June 2021. Collection method: clinical testing. Allele origin: germline. Affected: yes.
Comment: Not observed at significant frequency in large population cohorts (gnomAD); In silico analysis indicates that this missense variant does not alter protein structure/function; Has not been previously published as pathogenic or benign to our knowledge

NM_004667.6(HERC2):c.1084C>G (p.Leu362Val)

Gene: HERC2 (HECT and RLD domain containing E3 ubiquitin protein ligase 2; minus strand). Cytogenetic location: 15q13.1.
Variant type: single nucleotide variant.
Coding change: c.1084C>G on transcript NM_004667.6 (MANE Select); coding-DNA position 1084, C replaced by G.
Protein change: p.Leu362Val; replaces leucine 362 with valine.
Molecular consequence: missense variant.
Genome position (GRCh38, 1-based): chr15:28,270,868, G>C on the plus strand (C>G on the coding strand, the complement: HERC2 is on the minus strand). VCF-style: chr15-28270868-G-C. GRCh37 (hg19) VCF-style: chr15-28516014-G-C.
Other names: c.1084C>G (NM_004667.4); short protein forms L362V.
Identifiers: ClinVar variation 3600751 (VCV003600751.2).
Genomic context (GRCh38, chr15:28,270,868, plus strand): 5'-CTTGTGGAAGGGTGAGGTACCTCAGGAAACTCTCATTGGGGCTCAGAGGGCCAGACAAAA[G>C]CTAGAAAGGAAAAGTAAACAAAAATTCAGAAATGGTGGGAAAAATTAAAGTTAACACAAT-3'
Protein context (NP_004658.3, residues 352-372): DAPHSEGDMH[Leu362Val]LSGPLSPNES